The following is an entry in ClinVar:

NM_001267550.2(TTN):c.55270-38G>A

Genes: TTN (titin; minus strand), TTN-AS1 (TTN antisense RNA 1; plus strand). Cytogenetic location: 2q31.2.
Variant type: single nucleotide variant.
Coding change: c.55270-38G>A on transcript NM_001267550.2 (MANE Select); 38 bases into the intron before coding-DNA position 55270, G replaced by A.
Molecular consequence: intron variant.
Genome position (GRCh38, 1-based): chr2:178,601,952, C>T on the plus strand (G>A on the coding strand, the complement: TTN is on the minus strand). VCF-style: chr2-178601952-C-T. GRCh37 (hg19) VCF-style: chr2-179466679-C-T.
Other names: c.28075-38G>A (NM_003319.4); c.28651-38G>A (NM_133437.4); c.28450-38G>A (NM_133432.3); c.47566-38G>A (NM_133378.4); c.50347-38G>A (NM_001256850.1).
Identifiers: ClinVar variation 675972 (VCV000675972.2), dbSNP rs201531806, ClinGen allele CA1993504.

ClinVar aggregate classification (germline): Likely benign. Review status: criteria provided, multiple submitters, no conflicts (2 of 4 stars). 2 submissions from 2 submitters: Likely benign (2). Last evaluated 2018-06-19.

Allele frequency attached by ClinVar (database versions not stated): 1000 Genomes Project 30x 0.00219; 1000 Genomes Project 0.00240; TOPMed 0.00254; gnomAD 0.00284 and 0.00307; ESP Exome Variant Server 0.00379; gnomAD exomes 0.00397; ExAC 0.00420.
gnomAD v4.1: 7,607 of 1,612,576 alleles (0.47%); highest among the groups gnomAD compares: South Asian, 1.2%; 32 homozygotes.

Submissions (2):

GeneDx
Classification: Likely benign. Last evaluated: 2018-06-19. Review status: criteria provided, single submitter. Criteria: GeneDx Variant Classification (06012015). Collection method: clinical testing. Allele origin: germline. Affected: yes.
Comment: This variant is considered likely benign or benign based on one or more of the following criteria: it is a conservative change, it occurs at a poorly conserved position in the protein, it is predicted to be benign by multiple in silico algorithms, and/or has population frequency not consistent with disease.

Breakthrough Genomics
Classification: Likely benign. Review status: criteria provided, single submitter. Criteria: ACMG Guidelines, 2015. Collection method: not provided. Allele origin: germline. Inheritance: Autosomal recessive inheritance. Affected: yes.